The following is an entry in ClinVar:

NM_004006.3(DMD):c.3030G>A (p.Ala1010=)

Gene: DMD (dystrophin; minus strand). Cytogenetic location: Xp21.1.
Variant type: single nucleotide variant.
Coding change: c.3030G>A on transcript NM_004006.3 (MANE Select); coding-DNA position 3030, G replaced by A.
Protein change: p.Ala1010=; no amino-acid change (alanine 1010 retained).
Molecular consequence: synonymous variant.
Genome position (GRCh38, 1-based): chrX:32,468,630, C>T on the plus strand (G>A on the coding strand, the complement: DMD is on the minus strand). VCF-style: chrX-32468630-C-T. GRCh37 (hg19) VCF-style: chrX-32486747-C-T.
Other names: c.3006G>A, p.Ala1002= (NM_000109.4); c.3018G>A, p.Ala1006= (NM_004009.3); c.2661G>A, p.Ala887= (NM_004010.3).
Identifiers: ClinVar variation 518156 (VCV000518156.19), dbSNP rs72468666, ClinGen allele CA10379370.

ClinVar aggregate classification (germline): Conflicting classifications of pathogenicity. Review status: criteria provided, conflicting classifications (1 of 4 stars). 7 submissions from 7 submitters: Uncertain significance (1); Benign (1); Likely benign (3). 2 of the submissions do not count toward it. Last evaluated 2025-11-27.

Conditions:
Dystrophin deficiency.
Cardiomyopathy (CMYO). Also called: Cardiomyopathies. Identifiers: Orphanet 167848, MedGen C0878544, MONDO:0004994, HP:0001638. Inheritance: Various modes of inheritance.
Becker muscular dystrophy (BMD). Also called: MUSCULAR DYSTROPHY, PSEUDOHYPERTROPHIC PROGRESSIVE, BECKER TYPE; Becker Muscular Dystrophy (BMD). Identifiers: Orphanet 98895, MedGen C0917713, MONDO:0010311, OMIM 300376.
Duchenne muscular dystrophy (DMD). Also called: MUSCULAR DYSTROPHY, PSEUDOHYPERTROPHIC PROGRESSIVE, DUCHENNE TYPE; Duchenne Muscular Dystrophy (DMD). Identifiers: Orphanet 98896, MedGen C0013264, MONDO:0010679, OMIM 310200.
Cardiovascular phenotype. Identifiers: MedGen CN230736.
DMD-related disorder. Also called: DMD-related condition.
Dilated cardiomyopathy 3B (CMD3B). Also called: CMD3B: DMD-Related Dilated Cardiomyopathy; CARDIOMYOPATHY, DILATED, X-LINKED; DMD-Associated Dilated Cardiomyopathy. Identifiers: Orphanet 154, MedGen C3668940, MONDO:0010542, OMIM 302045.

Allele frequency attached by ClinVar (database versions not stated): gnomAD 0.00001 and 0.00002; TOPMed 0.00001; ExAC 0.00002; gnomAD exomes 0.00002 and 0.00003.
gnomAD v4.1: 36 of 1,209,137 alleles (0.003%); highest among the groups gnomAD compares: South Asian, 0.026%; no homozygotes.

Submissions (7):

Labcorp Genetics (formerly Invitae), Labcorp
Classification: Benign for Duchenne muscular dystrophy. Last evaluated: 2025-11-27. Review status: criteria provided, single submitter. Criteria: Invitae Variant Classification Sherloc (09022015). Collection method: clinical testing. Allele origin: germline.

Blueprint Genetics
Classification: Likely benign. Last evaluated: 2024-08-30. Review status: criteria provided, single submitter. Criteria: ACMG Guidelines, 2015. Collection method: clinical testing. Allele origin: germline.

Ambry Genetics
Classification: Likely benign for Cardiovascular phenotype. Last evaluated: 2019-10-28. Review status: criteria provided, single submitter. Criteria: Ambry Variant Classification Scheme 2023. Collection method: clinical testing. Allele origin: germline.

Illumina Laboratory Services, Illumina
Classification: Uncertain significance for Dilated cardiomyopathy 3B. Last evaluated: 2017-11-16. Review status: criteria provided, single submitter. Criteria: ICSL Variant Classification Criteria 13 December 2019. Collection method: clinical testing. Allele origin: germline.

GeneDx
Classification: Likely benign. Last evaluated: 2017-06-23. Review status: criteria provided, single submitter. Criteria: GeneDx Variant Classification (06012015). Collection method: clinical testing. Allele origin: germline. Affected: yes.
Comment: This variant is considered likely benign or benign based on one or more of the following criteria: it is a conservative change, it occurs at a poorly conserved position in the protein, it is predicted to be benign by multiple in silico algorithms, and/or has population frequency not consistent with disease.

PreventionGenetics, part of Exact Sciences
Classification: Likely benign for DMD-related condition. Last evaluated: 2019-05-13. Review status: no assertion criteria provided. Collection method: clinical testing. Allele origin: germline. Not counted in ClinVar's aggregate classification.
Comment: This variant is classified as likely benign based on ACMG/AMP sequence variant interpretation guidelines (Richards et al. 2015 PMID: 25741868, with internal and published modifications).

Natera, Inc.
Classification: Likely benign for Becker muscular dystrophy; Cardiomyopathy; Duchenne muscular dystrophy; Dystrophin deficiency. Last evaluated: 2019-04-11. Review status: no assertion criteria provided. Collection method: clinical testing. Allele origin: germline. Not counted in ClinVar's aggregate classification.